The following is an entry in ClinVar:

NM_000264.5(PTCH1):c.1742T>G (p.Val581Gly)

Genes: PTCH1 (patched 1; minus strand), LOC100507346 (uncharacterized LOC100507346; plus strand). Cytogenetic location: 9q22.32.
Variant type: single nucleotide variant.
Coding change: c.1742T>G on transcript NM_000264.5 (MANE Select); coding-DNA position 1742, T replaced by G.
Protein change: p.Val581Gly; replaces valine 581 with glycine.
Molecular consequence: missense variant. On other transcripts: non-coding transcript variant (2).
Genome position (GRCh38, 1-based): chr9:95,469,918, A>C on the plus strand (T>G on the coding strand, the complement: PTCH1 is on the minus strand). VCF-style: chr9-95469918-A-C. GRCh37 (hg19) VCF-style: chr9-98232200-A-C.
Other names: c.1289T>G, p.Val430Gly (NM_001083604.3, NM_001083605.3, NM_001083606.3 and 1 more transcripts); c.1586T>G, p.Val529Gly (NM_001354918.2); c.1544T>G, p.Val515Gly (NM_001083602.3); c.1739T>G, p.Val580Gly (NM_001083603.3); short protein forms V430G, V580G, V581G, V529G, V515G.
Identifiers: ClinVar variation 2561881 (VCV002561881.6), dbSNP rs777030659, ClinGen allele CA374116452.

ClinVar aggregate classification (germline): Uncertain significance. Review status: criteria provided, multiple submitters, no conflicts (2 of 4 stars). 2 submissions from 2 submitters: Uncertain significance (2). Last evaluated 2026-06-26.

Conditions:
Gorlin syndrome. Also called: Nevoid Basal Cell Carcinoma Syndrome; Basal cell nevus syndrome. Identifiers: Orphanet 377, MedGen C0004779, MONDO:0007187.
Hereditary cancer-predisposing syndrome. Also called: Hereditary Cancer Syndrome; Hereditary neoplastic syndrome; Neoplastic Syndromes, Hereditary; Tumor predisposition. Identifiers: Orphanet 140162, MedGen C0027672, MeSH D009386, MONDO:0015356.

Allele frequency attached by ClinVar (database versions not stated): TOPMed below 0.00001.
gnomAD v4.1: 1 of 1,613,886 alleles (0.000062%); highest among the groups gnomAD compares: East Asian, 0.0022%; no homozygotes.

Submissions (2):

Ambry Genetics
Classification: Uncertain significance for Hereditary cancer-predisposing syndrome. Last evaluated: 2026-06-26. Review status: criteria provided, single submitter. Criteria: Ambry Variant Classification Scheme 2023. Collection method: clinical testing. Allele origin: germline.
Comment: The p.V581G variant (also known as c.1742T>G), located in coding exon 13 of the PTCH1 gene, results from a T to G substitution at nucleotide position 1742. The valine at codon 581 is replaced by glycine, an amino acid with dissimilar properties. This amino acid position is conserved. In addition, this alteration is predicted to be deleterious by in silico analysis. Based on the available evidence, the clinical significance of this variant remains unclear.

Labcorp Genetics (formerly Invitae), Labcorp
Classification: Uncertain significance for Gorlin syndrome. Last evaluated: 2026-01-18. Review status: criteria provided, single submitter. Criteria: Invitae Variant Classification Sherloc (09022015). Collection method: clinical testing. Allele origin: germline.
Comment: This sequence change replaces valine, which is neutral and non-polar, with glycine, which is neutral and non-polar, at codon 581 of the PTCH1 protein (p.Val581Gly). This variant is not present in population databases (gnomAD no frequency). This variant has not been reported in the literature in individuals affected with PTCH1-related conditions. ClinVar contains an entry for this variant (Variation ID: 2561881). Invitae Evidence Modeling of protein sequence and biophysical properties (such as structural, functional, and spatial information, amino acid conservation, physicochemical variation, residue mobility, and thermodynamic stability) has been performed for this missense variant. However, the output from this modeling did not meet the statistical confidence thresholds required to predict the impact of this variant on PTCH1 protein function. In summary, the available evidence is currently insufficient to determine the role of this variant in disease. Therefore, it has been classified as a Variant of Uncertain Significance.